The following is an entry in ClinVar:

NM_020232.5(PSMG2):c.517G>A (p.Asp173Asn)

Gene: PSMG2 (proteasome assembly chaperone 2; plus strand). Cytogenetic location: 18p11.21.
Variant type: single nucleotide variant.
Coding change: c.517G>A on transcript NM_020232.5 (MANE Select); coding-DNA position 517, G replaced by A.
Protein change: p.Asp173Asn; replaces aspartic acid 173 with asparagine.
Molecular consequence: missense variant.
Genome position (GRCh38, 1-based): chr18:12,720,619, G>A. VCF-style: chr18-12720619-G-A. GRCh37 (hg19) VCF-style: chr18-12720618-G-A.
Other names: c.424G>A, p.Asp142Asn (NM_147163.2); short protein forms D173N, D142N.
Identifiers: ClinVar variation 4731404 (VCV004731404.1).

ClinVar aggregate classification (germline): Uncertain significance (1 of 4 stars; one submission).

gnomAD v4.1: 1 of 1,613,956 alleles (0.000062%); highest among the groups gnomAD compares: Non-Finnish European, 0.000085%; no homozygotes.

Submission:

Labcorp Genetics (formerly Invitae), Labcorp
Classification: Uncertain significance. Last evaluated: 2025-11-22. Review status: criteria provided, single submitter. Criteria: Invitae Variant Classification Sherloc (09022015). Collection method: clinical testing. Allele origin: germline.
Comment: This sequence change replaces aspartic acid, which is acidic and polar, with asparagine, which is neutral and polar, at codon 173 of the PSMG2 protein (p.Asp173Asn). This variant is not present in population databases (gnomAD no frequency). This variant has not been reported in the literature in individuals affected with PSMG2-related conditions. An algorithm developed to predict the effect of missense changes on protein structure and function outputs the following: PolyPhen-2: "Benign". The asparagine amino acid residue is found in multiple mammalian species, which suggests that this missense change does not adversely affect protein function. In summary, the available evidence is currently insufficient to determine the role of this variant in disease. Therefore, it has been classified as a Variant of Uncertain Significance.